The following is an entry in ClinVar:

NM_017934.7(PHIP):c.4802C>T (p.Ser1601Leu)

Genes: IRAK1BP1 (interleukin 1 receptor associated kinase 1 binding protein 1; plus strand), PHIP (PHIP subunit of CUL4-Ring ligase complex; minus strand). Cytogenetic location: 6q14.1.
Variant type: single nucleotide variant.
Coding change: c.4802C>T on transcript NM_017934.7 (MANE Select); coding-DNA position 4802, C replaced by T.
Protein change: p.Ser1601Leu; replaces serine 1601 with leucine.
Molecular consequence: missense variant.
Genome position (GRCh38, 1-based): chr6:78,945,326, G>A on the plus strand (C>T on the coding strand, the complement: PHIP is on the minus strand). VCF-style: chr6-78945326-G-A. GRCh37 (hg19) VCF-style: chr6-79655043-G-A.
Other names: short protein forms S1601L.
Identifiers: ClinVar variation 5008452 (VCV005008452.1).
Genomic context (GRCh38, chr6:78,945,326, plus strand): 5'-TACTGTATCTTGAAAGATACAAGTAATACCTTACCTTGCTCAATGACAGCTGATGACTTT[G>A]AAAGAGTGGACGCCTTTGGGAGTACAGATGACTTCATTTTACGTTTGACTGGCTTTTCCT-3'
Protein context (NP_060404.4, residues 1591-1611): SSVLPKASTL[Ser1601Leu]KSSAVIEQGD

ClinVar aggregate classification (germline): Uncertain significance (1 of 4 stars; one submission).

Submission:

GeneDx
Classification: Uncertain significance. Last evaluated: 2026-02-12. Review status: criteria provided, single submitter. Criteria: GeneDx Variant Classification Process June 2021. Collection method: clinical testing. Allele origin: germline.
Comment: Not observed at significant frequency in large population cohorts (gnomAD); In silico analysis supports that this missense variant has a deleterious effect on protein structure/function; Has not been previously published as pathogenic or benign to our knowledge